The following is an entry in ClinVar:

ClinVar aggregate classification (germline): Uncertain significance (1 of 4 stars; one submission).

Conditions:
Cardiovascular phenotype. Identifiers: MedGen CN230736.

Submission:

Ambry Genetics
Classification: Uncertain significance for Cardiovascular phenotype. Last evaluated: 2026-07-07. Review status: criteria provided, single submitter. Criteria: Ambry Variant Classification Scheme 2023. Collection method: clinical testing. Allele origin: germline.
Comment: The p.M599V variant (also known as c.1795A>G), located in coding exon 14 of the DSP gene, results from an A to G substitution at nucleotide position 1795. The methionine at codon 599 is replaced by valine, an amino acid with highly similar properties. This amino acid position is conserved. In addition, the in silico prediction for this alteration is inconclusive. Based on the available evidence, the clinical significance of this variant remains unclear.

NM_004415.4(DSP):c.1795A>G (p.Met599Val)

Gene: DSP (desmoplakin; plus strand). Cytogenetic location: 6p24.3.
Variant type: single nucleotide variant.
Coding change: c.1795A>G on transcript NM_004415.4 (MANE Select); coding-DNA position 1795, A replaced by G.
Protein change: p.Met599Val; replaces methionine 599 with valine.
Molecular consequence: missense variant.
Genome position (GRCh38, 1-based): chr6:7,571,476, A>G. VCF-style: chr6-7571476-A-G. GRCh37 (hg19) VCF-style: chr6-7571709-A-G.
Other names: c.1795A>G, p.Met599Val (NM_001008844.3, NM_001319034.2); short protein forms M599V.
Identifiers: ClinVar variation 5035641 (VCV005035641.1).